The following is an entry in ClinVar:

ClinVar aggregate classification (germline): Pathogenic. Review status: criteria provided, multiple submitters, no conflicts (2 of 4 stars). 2 submissions from 2 submitters: Pathogenic (2). Last evaluated 2022-10-19.

Conditions:
Hereditary cancer-predisposing syndrome. Also called: Hereditary Cancer Syndrome; Neoplastic Syndromes, Hereditary; Hereditary neoplastic syndrome; Tumor predisposition. Identifiers: Orphanet 140162, MedGen C0027672, MeSH D009386, MONDO:0015356.
Hereditary breast ovarian cancer syndrome. Also called: Hereditary breast and/or ovarian cancer syndrome; BRCA1- and BRCA2-Associated Hereditary Breast and Ovarian Cancer; Breast and ovarian cancer; Hereditary breast and ovarian cancer; Hereditary breast and ovarian cancer syndrome (HBOC); Hereditary breast and ovarian cancer syndrome. Identifiers: Orphanet 145, MedGen C0677776, MeSH D061325, MONDO:0003582. Disease mechanism: loss of function.

Submissions (2):

Labcorp Genetics (formerly Invitae), Labcorp
Classification: Pathogenic for Hereditary breast ovarian cancer syndrome. Last evaluated: 2022-10-19. Review status: criteria provided, single submitter. Criteria: Invitae Variant Classification Sherloc (09022015). Collection method: clinical testing. Allele origin: germline.
Comment: For these reasons, this variant has been classified as Pathogenic. This variant has not been reported in the literature in individuals affected with BRCA2-related conditions. This variant is not present in population databases (gnomAD no frequency). This sequence change creates a premature translational stop signal (p.Gln1037Leufs*4) in the BRCA2 gene. It is expected to result in an absent or disrupted protein product. Loss-of-function variants in BRCA2 are known to be pathogenic (PMID: 20104584).

Color Diagnostics, LLC DBA Color Health
Classification: Pathogenic for Hereditary cancer-predisposing syndrome. Last evaluated: 2022-04-18. Review status: criteria provided, single submitter. Criteria: ACMG Guidelines, 2015. Collection method: clinical testing. Allele origin: germline.
Comment: This variant deletes 2 nucleotides in exon 11 of the BRCA2 gene, creating a frameshift and premature translation stop signal. This variant is expected to result in an absent or non-functional protein product. To our knowledge, this variant has not been reported in individuals affected with hereditary cancer in the literature. This variant has not been identified in the general population by the Genome Aggregation Database (gnomAD). Loss of BRCA2 function is a known mechanism of disease. Based on the available evidence, this variant is classified as Pathogenic.

Literature cited by the submitters: PubMed 20104584 (cited by Labcorp Genetics (formerly Invitae), Labcorp).

NM_000059.4(BRCA2):c.3110_3111del (p.Gln1037fs)

Gene: BRCA2 (BRCA2 DNA repair associated; plus strand). Cytogenetic location: 13q13.1.
Variant type: Deletion.
Coding change: c.3110_3111del on transcript NM_000059.4 (MANE Select); coding-DNA positions 3110 to 3111, 2 bases deleted (AA; older notation c.3110_3111delAA).
Protein change: p.Gln1037fs; shifts the reading frame from glutamine 1037.
Molecular consequence: frameshift variant.
Genome position (GRCh38, 1-based): chr13:32,337,465-32,337,466, AA deleted. VCF-style (leftmost placement, unchanged base first): chr13-32337464-CAA-C. GRCh37 (hg19) VCF-style: chr13-32911601-CAA-C.
Other names: c.3110_3111delAA, p.Gln1037Leufs (NM_001406719.1, NM_001406720.1); short protein forms Q1037fs.
Identifiers: ClinVar variation 2036084 (VCV002036084.6), dbSNP rs2548525251, ClinGen allele CA2580087043.